The following is an entry in ClinVar:

NM_001367624.2(ZNF469):c.6616C>T (p.Pro2206Ser)

Gene: ZNF469 (zinc finger protein 469; plus strand). Cytogenetic location: 16q24.2.
Variant type: single nucleotide variant.
Coding change: c.6616C>T on transcript NM_001367624.2 (MANE Select); coding-DNA position 6616, C replaced by T.
Protein change: p.Pro2206Ser; replaces proline 2206 with serine.
Molecular consequence: missense variant.
Genome position (GRCh38, 1-based): chr16:88,434,086, C>T. VCF-style: chr16-88434086-C-T. GRCh37 (hg19) VCF-style: chr16-88500494-C-T.
Other names: NM_001127464.1:c.6532C>T; short protein forms P2206S.
Identifiers: ClinVar variation 1754079 (VCV001754079.2), dbSNP rs1327151619, ClinGen allele CA397106310.

ClinVar aggregate classification (germline): Uncertain significance (1 of 4 stars; one submission).

Conditions:
Cardiovascular phenotype. Identifiers: MedGen CN230736.

gnomAD v4.1: 1 of 1,550,392 alleles (0.000064%); highest among the groups gnomAD compares: Admixed American, 0.002%; no homozygotes.

Submission:

Ambry Genetics
Classification: Uncertain significance for Cardiovascular phenotype. Last evaluated: 2022-08-20. Review status: criteria provided, single submitter. Criteria: Ambry Variant Classification Scheme 2023. Collection method: clinical testing. Allele origin: germline.
Comment: The p.P2178S variant (also known as c.6532C>T), located in coding exon 2 of the ZNF469 gene, results from a C to T substitution at nucleotide position 6532. The proline at codon 2178 is replaced by serine, an amino acid with similar properties. This amino acid position is conserved. In addition, this alteration is predicted to be tolerated by in silico analysis. Since supporting evidence is limited at this time, the clinical significance of this alteration remains unclear.